The following is an entry in ClinVar:

NM_004006.3(DMD):c.5129C>T (p.Pro1710Leu)

Gene: DMD (dystrophin; minus strand). Cytogenetic location: Xp21.1.
Variant type: single nucleotide variant.
Coding change: c.5129C>T on transcript NM_004006.3 (MANE Select); coding-DNA position 5129, C replaced by T.
Protein change: p.Pro1710Leu; replaces proline 1710 with leucine.
Molecular consequence: missense variant.
Genome position (GRCh38, 1-based): chrX:32,364,607, G>A on the plus strand (C>T on the coding strand, the complement: DMD is on the minus strand). VCF-style: chrX-32364607-G-A. GRCh37 (hg19) VCF-style: chrX-32382724-G-A.
Other names: c.5105C>T, p.Pro1702Leu (NM_000109.4); c.5117C>T, p.Pro1706Leu (NM_004009.3); c.4760C>T, p.Pro1587Leu (NM_004010.3); c.1106C>T, p.Pro369Leu (NM_004011.4); c.1097C>T, p.Pro366Leu (NM_004012.4); short protein forms P1587L, P366L, P1702L, P369L, P1706L, P1710L.
Identifiers: ClinVar variation 1370491 (VCV001370491.6), dbSNP rs865938529, ClinGen allele CA327995177.
Genomic context (GRCh38, chrX:32,364,607, plus strand): 5'-AATTTGGACATTACTTTTCATATTTTATTTGCTACCTTAAGCACGTCTTCTTTTTGCTGG[G>A]GTTTCTTTTTCTCTGATTCATCCAAAAGTGTGTCAGCCTGAATGATCCACTTTGTGATGT-3'
Protein context (NP_003997.2, residues 1700-1720): TLLDESEKKK[Pro1710Leu]QQKEDVLKRL

ClinVar aggregate classification (germline): Uncertain significance (1 of 4 stars; one submission).

Conditions:
Duchenne muscular dystrophy (DMD). Also called: MUSCULAR DYSTROPHY, PSEUDOHYPERTROPHIC PROGRESSIVE, DUCHENNE TYPE; Duchenne Muscular Dystrophy (DMD). Identifiers: Orphanet 98896, MedGen C0013264, MONDO:0010679, OMIM 310200.

Allele frequency attached by ClinVar (database versions not stated): gnomAD exomes 0.00001 and below 0.00001; TOPMed 0.00002.
gnomAD v4.1: 2 of 1,210,569 alleles (0.00017%); highest among the groups gnomAD compares: Non-Finnish European, 0.00022%; no homozygotes.

Submission:

Labcorp Genetics (formerly Invitae), Labcorp
Classification: Uncertain significance for Duchenne muscular dystrophy. Last evaluated: 2025-09-16. Review status: criteria provided, single submitter. Criteria: Invitae Variant Classification Sherloc (09022015). Collection method: clinical testing. Allele origin: germline.
Comment: This sequence change replaces proline, which is neutral and non-polar, with leucine, which is neutral and non-polar, at codon 1710 of the DMD protein (p.Pro1710Leu). This variant is present in population databases (no rsID available, gnomAD 0.001%). This variant has not been reported in the literature in individuals affected with DMD-related conditions. ClinVar contains an entry for this variant (Variation ID: 1370491). Invitae Evidence Modeling of protein sequence and biophysical properties (such as structural, functional, and spatial information, amino acid conservation, physicochemical variation, residue mobility, and thermodynamic stability) indicates that this missense variant is not expected to disrupt DMD protein function with a negative predictive value of 95%. In summary, the available evidence is currently insufficient to determine the role of this variant in disease. Therefore, it has been classified as a Variant of Uncertain Significance.